The following is an entry in ClinVar:

ClinVar aggregate classification (germline): Likely benign. Review status: criteria provided, multiple submitters, no conflicts (2 of 4 stars). 3 submissions from 3 submitters: Likely benign (3). Last evaluated 2025-12-24.

Conditions:
Familial thoracic aortic aneurysm and aortic dissection (TAAD). Also called: Thoracic aortic aneurysms and dissections. Identifiers: Orphanet 91387, MedGen C4707243, MONDO:0019625.

Allele frequency attached by ClinVar (database versions not stated): TOPMed below 0.00001.

Submissions (3):

Ambry Genetics
Classification: Likely benign for Familial thoracic aortic aneurysm and aortic dissection. Last evaluated: 2025-12-24. Review status: criteria provided, single submitter. Criteria: Ambry Variant Classification Scheme 2023. Collection method: clinical testing. Allele origin: germline.

All of Us Research Program, National Institutes of Health
Classification: Likely benign for Familial thoracic aortic aneurysm and aortic dissection. Last evaluated: 2023-03-28. Review status: criteria provided, single submitter. Criteria: ACMG Guidelines, 2015. Collection method: clinical testing. Allele origin: germline. Inheritance: Autosomal dominant inheritance. Observed: 1 variant allele, 1 heterozygote.
Comment: This study involves interpretation of variants in research participants for the purpose of population health screening. Participant phenotype was not available at the time of variant classification. Additional details can be found in publication PMID: 35346344, PMCID: PMC8962531

Color Diagnostics, LLC DBA Color Health
Classification: Likely benign for Familial thoracic aortic aneurysm and aortic dissection. Last evaluated: 2018-11-27. Review status: criteria provided, single submitter. Criteria: ACMG Guidelines, 2015. Collection method: clinical testing. Allele origin: germline.

NM_002474.3(MYH11):c.1089G>A (p.Lys363=)

Gene: MYH11 (myosin heavy chain 11; minus strand). Cytogenetic location: 16p13.11.
Variant type: single nucleotide variant.
Coding change: c.1089G>A on transcript NM_002474.3 (MANE Select); coding-DNA position 1089, G replaced by A.
Protein change: p.Lys363=; no amino-acid change (lysine 363 retained).
Molecular consequence: synonymous variant.
Genome position (GRCh38, 1-based): chr16:15,763,836, C>T on the plus strand (G>A on the coding strand, the complement: MYH11 is on the minus strand). VCF-style: chr16-15763836-C-T. GRCh37 (hg19) VCF-style: chr16-15857693-C-T.
Other names: c.1089G>A (NM_002474.2); c.1110G>A, p.Lys370= (NM_001040113.2, NM_001040114.2); c.1089G>A, p.Lys363= (NM_022844.3).
Identifiers: ClinVar variation 925328 (VCV000925328.4), dbSNP rs777252807, ClinGen allele CA7922729.